The following is an entry in ClinVar:

ClinVar aggregate classification (germline): Benign. Review status: criteria provided, multiple submitters, no conflicts (2 of 4 stars). 8 submissions from 8 submitters: Benign (6). 2 of the submissions do not count toward it. Last evaluated 2026-02-03.

Conditions:
Spinocerebellar ataxia type 35. Identifiers: Orphanet 276193, MedGen C3888031, MONDO:0013485, OMIM 613908.

Allele frequency attached by ClinVar (database versions not stated): 1000 Genomes Project 0.57408; 1000 Genomes Project 30x 0.57480; TOPMed 0.60635; gnomAD 0.61481 and 0.61649; ESP Exome Variant Server 0.61699; ExAC 0.66165; gnomAD exomes 0.69272.

Submissions (8):

Labcorp Genetics (formerly Invitae), Labcorp
Classification: Benign. Last evaluated: 2026-02-03. Review status: criteria provided, single submitter. Criteria: Invitae Variant Classification Sherloc (09022015). Collection method: clinical testing. Allele origin: germline.

Genome-Nilou Lab
Classification: Benign for Spinocerebellar ataxia type 35. Last evaluated: 2021-09-10. Review status: criteria provided, single submitter. Criteria: ACMG Guidelines, 2015. Collection method: clinical testing. Allele origin: germline. Affected: no.

GeneDx
Classification: Benign. Last evaluated: 2019-09-13. Review status: criteria provided, single submitter. Criteria: GeneDx Variant Classification Process June 2021. Collection method: clinical testing. Allele origin: germline. Affected: yes.

Illumina Laboratory Services, Illumina
Classification: Benign for Spinocerebellar ataxia type 35. Last evaluated: 2018-01-12. Review status: criteria provided, single submitter. Criteria: ICSL Variant Classification Criteria 13 December 2019. Collection method: clinical testing. Allele origin: germline.
Comment: This variant was observed in the ICSL laboratory as part of a predisposition screen in an ostensibly healthy population. It had not been previously curated by ICSL or reported in the Human Gene Mutation Database (HGMD: prior to June 1st, 2018), and was therefore a candidate for classification through an automated scoring system. Utilizing variant allele frequency, disease prevalence and penetrance estimates, and inheritance mode, an automated score was calculated to assess if this variant is too frequent to cause the disease. Based on the score and internal cut-off values, a variant classified as benign is not then subjected to further curation. The score for this variant resulted in a classification of benign for this disease.

Clinical Genetics DNA and cytogenetics Diagnostics Lab, Erasmus MC, Erasmus Medical Center
Classification: Benign for Spinocerebellar ataxia type 35. Last evaluated: 2015-09-21. Review status: criteria provided, single submitter. Criteria: ACGS Guidelines, 2013. Collection method: clinical testing. Allele origin: germline. Affected: yes. Study: VKGL Data-share Consensus.

Breakthrough Genomics
Classification: Benign. Review status: criteria provided, single submitter. Criteria: ACMG Guidelines, 2015. Collection method: not provided. Allele origin: germline. Inheritance: Autosomal dominant inheritance. Affected: yes.

Diagnostic Laboratory, Department of Genetics, University Medical Center Groningen
Classification: Benign for Spinocerebellar ataxia type 35. Review status: no assertion criteria provided. Collection method: clinical testing. Allele origin: germline. Affected: yes. Study: VKGL Data-share Consensus. Not counted in ClinVar's aggregate classification.

Joint Genome Diagnostic Labs from Nijmegen and Maastricht, Radboudumc and MUMC+
Classification: Benign. Review status: no assertion criteria provided. Collection method: clinical testing. Allele origin: germline. Affected: yes. Study: VKGL Data-share Consensus. Not counted in ClinVar's aggregate classification.

NM_198994.3(TGM6):c.850+12G>A

Gene: TGM6 (transglutaminase 6; plus strand). Cytogenetic location: 20p13.
Variant type: single nucleotide variant.
Coding change: c.850+12G>A on transcript NM_198994.3 (MANE Select); 12 bases into the intron after coding-DNA position 850, G replaced by A.
Molecular consequence: intron variant.
Genome position (GRCh38, 1-based): chr20:2,399,750, G>A. VCF-style: chr20-2399750-G-A. GRCh37 (hg19) VCF-style: chr20-2380396-G-A.
Other names: c.850+12G>A (NM_001254734.2).
Identifiers: ClinVar variation 337914 (VCV000337914.20), dbSNP rs2076404, ClinGen allele CA9731839.